The following is an entry in ClinVar:

NM_058172.6(ANTXR2):c.642A>C (p.Leu214=)

Gene: ANTXR2 (ANTXR cell adhesion molecule 2; minus strand). Cytogenetic location: 4q21.21.
Variant type: single nucleotide variant.
Coding change: c.642A>C on transcript NM_058172.6 (MANE Select); coding-DNA position 642, A replaced by C.
Protein change: p.Leu214=; no amino-acid change (leucine 214 retained).
Molecular consequence: synonymous variant.
Genome position (GRCh38, 1-based): chr4:80,036,027, T>G on the plus strand (A>C on the coding strand, the complement: ANTXR2 is on the minus strand). VCF-style: chr4-80036027-T-G. GRCh37 (hg19) VCF-style: chr4-80957181-T-G.
Other names: c.642A>C, p.Leu214= (NM_001145794.2); c.411A>C, p.Leu137= (NM_001286780.2, NM_001286781.2).
Identifiers: ClinVar variation 3390217 (VCV003390217.14).

ClinVar aggregate classification (germline): Likely benign (1 of 4 stars; one submission).

Submission:

CeGaT Center for Human Genetics Tuebingen
Classification: Likely benign. Last evaluated: 2024-11-01. Review status: criteria provided, single submitter. Criteria: CeGaT Center For Human Genetics Tuebingen Variant Classification Criteria Version 2. Collection method: clinical testing. Allele origin: germline. Affected: yes. Observed: 1 variant allele.
Comment: ANTXR2: PM2:Supporting, BP4, BP7